The following is an entry in ClinVar:

NM_000388.4(CASR):c.1489T>G (p.Ser497Ala)

Gene: CASR (calcium sensing receptor; plus strand). Cytogenetic location: 3q21.1.
Variant type: single nucleotide variant.
Coding change: c.1489T>G on transcript NM_000388.4 (MANE Select); coding-DNA position 1489, T replaced by G.
Protein change: p.Ser497Ala; replaces serine 497 with alanine.
Molecular consequence: missense variant.
Genome position (GRCh38, 1-based): chr3:122,275,923, T>G. VCF-style: chr3-122275923-T-G. GRCh37 (hg19) VCF-style: chr3-121994770-T-G.
Other names: c.1489T>G, p.Ser497Ala (NM_001178065.2); short protein forms S497A.
Identifiers: ClinVar variation 1773739 (VCV001773739.2), dbSNP rs2473257935, ClinGen allele CA354155210.
Genomic context (GRCh38, chr3:122,275,923, plus strand): 5'-GTGACCTTTGATGAGTGTGGTGACCTGGTGGGGAACTATTCCATCATCAACTGGCACCTC[T>G]CCCCAGAGGATGGCTCCATCGTGTTTAAGGAAGTCGGGTATTACAACGTCTATGCCAAGA-3'
Protein context (NP_000379.3, residues 487-507): GNYSIINWHL[Ser497Ala]PEDGSIVFKE

ClinVar aggregate classification (germline): Uncertain significance (1 of 4 stars; one submission).

Conditions:
Nephrolithiasis/nephrocalcinosis. Identifiers: MedGen CN580796.

Submission:

Ambry Genetics
Classification: Uncertain significance for Nephrolithiasis/nephrocalcinosis. Last evaluated: 2022-05-16. Review status: criteria provided, single submitter. Criteria: Ambry Variant Classification Scheme 2023. Collection method: clinical testing. Allele origin: germline.
Comment: The p.S497A variant (also known as c.1489T>G), located in coding exon 4 of the CASR gene, results from a T to G substitution at nucleotide position 1489. The serine at codon 497 is replaced by alanine, an amino acid with similar properties. This amino acid position is conserved. In addition, the in silico prediction for this alteration is inconclusive. Since supporting evidence is limited at this time, the clinical significance of this alteration remains unclear.